The following is an entry in ClinVar:

ClinVar aggregate classification (germline): Likely benign. Review status: criteria provided, multiple submitters, no conflicts (2 of 4 stars). 4 submissions from 4 submitters: Likely benign (4). Last evaluated 2024-03-02.

Conditions:
Cardiovascular phenotype. Identifiers: MedGen CN230736.
Familial isolated arrhythmogenic right ventricular dysplasia. Identifiers: Orphanet 217656, MedGen C4274968, MONDO:0016342.
Cardiomyopathy (CMYO). Also called: Cardiomyopathies. Identifiers: Orphanet 167848, MedGen C0878544, MONDO:0004994, HP:0001638. Inheritance: Various modes of inheritance.
Arrhythmogenic right ventricular dysplasia 11. Also called: Arrhythmogenic Right Ventricular Dysplasia/Cardiomyopathy11; ARRHYTHMOGENIC RIGHT VENTRICULAR DYSPLASIA, FAMILIAL, 11; Arrhythmogenic right ventricular dysplasia 11 with mild palmoplantar keratoderma and woolly hair. Identifiers: MedGen C1864850, MONDO:0012506, OMIM 610476.

Allele frequency attached by ClinVar (database versions not stated): TOPMed 0.00001; gnomAD exomes 0.00002 and 0.00001; gnomAD 0.00001; ExAC 0.00002; ESP Exome Variant Server 0.00008.
gnomAD v4.1: 13 of 1,613,746 alleles (0.00081%); highest among the groups gnomAD compares: African/African-American, 0.0013%; no homozygotes.

Submissions (4):

Labcorp Genetics (formerly Invitae), Labcorp
Classification: Likely benign for Arrhythmogenic right ventricular dysplasia 11. Last evaluated: 2024-03-02. Review status: criteria provided, single submitter. Criteria: Invitae Variant Classification Sherloc (09022015). Collection method: clinical testing. Allele origin: germline.

All of Us Research Program, National Institutes of Health
Classification: Likely benign for Familial isolated arrhythmogenic right ventricular dysplasia. Last evaluated: 2023-10-27. Review status: criteria provided, single submitter. Criteria: ACMG Guidelines, 2015. Collection method: clinical testing. Allele origin: germline. Inheritance: Autosomal dominant inheritance. Observed: 1 variant allele, 1 heterozygote.
Comment: This study involves interpretation of variants in research participants for the purpose of population health screening. Participant phenotype was not available at the time of variant classification. Additional details can be found in publication PMID: 35346344, PMCID: PMC8962531

Ambry Genetics
Classification: Likely benign for Cardiovascular phenotype. Last evaluated: 2023-01-14. Review status: criteria provided, single submitter. Criteria: Ambry Variant Classification Scheme 2023. Collection method: clinical testing. Allele origin: germline.

Color Diagnostics, LLC DBA Color Health
Classification: Likely benign for Cardiomyopathy. Last evaluated: 2020-12-02. Review status: criteria provided, single submitter. Criteria: ACMG Guidelines, 2015. Collection method: clinical testing. Allele origin: germline.

NM_024422.6(DSC2):c.687A>G (p.Leu229=)

Gene: DSC2 (desmocollin 2; minus strand). Cytogenetic location: 18q12.1.
Variant type: single nucleotide variant.
Coding change: c.687A>G on transcript NM_024422.6 (MANE Select); coding-DNA position 687, A replaced by G.
Protein change: p.Leu229=; no amino-acid change (leucine 229 retained).
Molecular consequence: synonymous variant.
Genome position (GRCh38, 1-based): chr18:31,087,757, T>C on the plus strand (A>G on the coding strand, the complement: DSC2 is on the minus strand). VCF-style: chr18-31087757-T-C. GRCh37 (hg19) VCF-style: chr18-28667720-T-C.
Other names: c.687A>G, p.Leu229= (NM_004949.5).
Identifiers: ClinVar variation 1117109 (VCV001117109.13), dbSNP rs371192108, ClinGen allele CA039383.